The following is an entry in ClinVar:

NM_147686.4(TRAF3IP2):c.461A>G (p.His154Arg)

Genes: TRAF3IP2 (TRAF3 interacting protein 2; minus strand), TRAF3IP2-AS1 (TRAF3IP2 antisense RNA 1; plus strand), LOC114803478 (TRAF3IP2 eExon liver enhancer; plus strand). Cytogenetic location: 6q21.
Variant type: single nucleotide variant.
Coding change: c.461A>G on transcript NM_147686.4 (MANE Select); coding-DNA position 461, A replaced by G.
Protein change: p.His154Arg; replaces histidine 154 with arginine.
Molecular consequence: missense variant.
Genome position (GRCh38, 1-based): chr6:111,591,626, T>C on the plus strand (A>G on the coding strand, the complement: TRAF3IP2 is on the minus strand). VCF-style: chr6-111591626-T-C. GRCh37 (hg19) VCF-style: chr6-111912829-T-C.
Other names: c.461A>G, p.His154Arg (NM_001164281.3); c.488A>G, p.His163Arg (NM_147200.3); short protein forms H163R, H154R.
Identifiers: ClinVar variation 2731596 (VCV002731596.3), dbSNP rs1317226267, ClinGen allele CA365367680.

ClinVar aggregate classification (germline): Uncertain significance (1 of 4 stars; one submission).

Conditions:
Candidiasis, familial, 8 (CANDF8). Identifiers: Orphanet 1334, MedGen C3714992, MONDO:0014230, OMIM 615527.

Allele frequency attached by ClinVar (database versions not stated): gnomAD 0.00001; gnomAD exomes below 0.00001.
gnomAD v4.1: 7 of 1,614,102 alleles (0.00043%); highest among the groups gnomAD compares: South Asian, 0.0033%; no homozygotes.

Submission:

Labcorp Genetics (formerly Invitae), Labcorp
Classification: Uncertain significance for Candidiasis, familial, 8. Last evaluated: 2025-08-21. Review status: criteria provided, single submitter. Criteria: Invitae Variant Classification Sherloc (09022015). Collection method: clinical testing. Allele origin: germline.
Comment: This sequence change replaces histidine, which is basic and polar, with arginine, which is basic and polar, at codon 154 of the TRAF3IP2 protein (p.His154Arg). This variant is present in population databases (no rsID available, gnomAD 0.003%). This variant has not been reported in the literature in individuals affected with TRAF3IP2-related conditions. ClinVar contains an entry for this variant (Variation ID: 2731596). Invitae Evidence Modeling of protein sequence and biophysical properties (such as structural, functional, and spatial information, amino acid conservation, physicochemical variation, residue mobility, and thermodynamic stability) indicates that this missense variant is not expected to disrupt TRAF3IP2 protein function with a negative predictive value of 80%. In summary, the available evidence is currently insufficient to determine the role of this variant in disease. Therefore, it has been classified as a Variant of Uncertain Significance.